The following is an entry in ClinVar:

ClinVar aggregate classification (germline): Conflicting classifications of pathogenicity. Review status: criteria provided, conflicting classifications (1 of 4 stars). 4 submissions from 4 submitters: Uncertain significance (3); Likely benign (1). Last evaluated 2026-07-01.

Conditions:
Glomerulopathy with fibronectin deposits 2 (GFND2). Identifiers: Orphanet 84090, MedGen C1866075, MONDO:0011165, OMIM 601894.
Spondylometaphyseal dysplasia - Sutcliffe type. Also called: Sutcliffe type of spondylometaphyseal dysplasia; Sutcliffe SMD; Spondylometaphyseal Dysplasia, Corner Fracture Type; Spondylometaphyseal dysplasia, 'corner fracture' type. Identifiers: Orphanet 93315, MedGen C0432221, MONDO:0008479, OMIM 184255.
Inborn genetic diseases. Identifiers: MedGen C0950123, MeSH D030342.

Allele frequency attached by ClinVar (database versions not stated): gnomAD 0.00003; ExAC 0.00004; gnomAD exomes 0.00004; TOPMed 0.00004.
gnomAD v4.1: 71 of 1,614,002 alleles (0.0044%); highest among the groups gnomAD compares: East Asian, 0.033%; no homozygotes.

Submissions (4):

CeGaT Center for Human Genetics Tuebingen
Classification: Uncertain significance. Last evaluated: 2026-07-01. Review status: criteria provided, single submitter. Criteria: CeGaT Center For Human Genetics Tuebingen Variant Classification Criteria Version 2. Collection method: clinical testing. Allele origin: germline. Affected: yes. Observed: 1 variant allele.
Comment: FN1: PP2, BP4

Labcorp Genetics (formerly Invitae), Labcorp
Classification: Uncertain significance. Last evaluated: 2025-09-28. Review status: criteria provided, single submitter. Criteria: Invitae Variant Classification Sherloc (09022015). Collection method: clinical testing. Allele origin: germline.
Comment: This sequence change replaces alanine, which is neutral and non-polar, with threonine, which is neutral and polar, at codon 1620 of the FN1 protein (p.Ala1620Thr). This variant is present in population databases (rs766780476, gnomAD 0.01%). This missense change has been observed in individual(s) with chronic glomerulonephritis (PMID: 38765603). ClinVar contains an entry for this variant (Variation ID: 1365477). An algorithm developed to predict the effect of missense changes on protein structure and function (PolyPhen-2) suggests that this variant is likely to be disruptive. In summary, the available evidence is currently insufficient to determine the role of this variant in disease. Therefore, it has been classified as a Variant of Uncertain Significance.

Ambry Genetics
Classification: Likely benign for Inborn genetic diseases. Last evaluated: 2024-12-13. Review status: criteria provided, single submitter. Criteria: Ambry Variant Classification Scheme 2023. Collection method: clinical testing. Allele origin: germline.

Fulgent Genetics
Classification: Uncertain significance for Spondylometaphyseal dysplasia - Sutcliffe type; Glomerulopathy with fibronectin deposits 2. Last evaluated: 2023-12-28. Review status: criteria provided, single submitter. Criteria: ACMG Guidelines, 2015. Collection method: clinical testing. Allele origin: germline.

Literature cited by the submitters: PubMed 38765603 (cited by Labcorp Genetics (formerly Invitae), Labcorp).

NM_212482.4(FN1):c.4858G>A (p.Ala1620Thr)

Gene: FN1 (fibronectin 1; minus strand). Cytogenetic location: 2q35.
Variant type: single nucleotide variant.
Coding change: c.4858G>A on transcript NM_212482.4 (MANE Select); coding-DNA position 4858, G replaced by A.
Protein change: p.Ala1620Thr; replaces alanine 1620 with threonine.
Molecular consequence: missense variant.
Genome position (GRCh38, 1-based): chr2:215,384,056, C>T on the plus strand (G>A on the coding strand, the complement: FN1 is on the minus strand). VCF-style: chr2-215384056-C-T. GRCh37 (hg19) VCF-style: chr2-216248779-C-T.
Other names: c.4858G>A, p.Ala1620Thr (NM_001306129.2, NM_001306130.2, NM_001365517.2 and 3 more transcripts); c.4585G>A, p.Ala1529Thr (NM_001306131.2, NM_001306132.2, NM_001365518.2 and 7 more transcripts); c.4858G>A (NM_212482.1); short protein forms A1529T, A1620T.
Identifiers: ClinVar variation 1365477 (VCV001365477.12), dbSNP rs766780476, ClinGen allele CA2094307.